The following is an entry in ClinVar:

NM_001005242.3(PKP2):c.2213T>C (p.Val738Ala)

Gene: PKP2 (plakophilin 2; minus strand). Cytogenetic location: 12p11.21.
Variant type: single nucleotide variant.
Coding change: c.2213T>C on transcript NM_001005242.3 (MANE Select); coding-DNA position 2213, T replaced by C.
Protein change: p.Val738Ala; replaces valine 738 with alanine.
Molecular consequence: missense variant.
Genome position (GRCh38, 1-based): chr12:32,796,253, A>G on the plus strand (T>C on the coding strand, the complement: PKP2 is on the minus strand). VCF-style: chr12-32796253-A-G. GRCh37 (hg19) VCF-style: chr12-32949187-A-G.
Other names: c.2345T>C, p.Val782Ala (NM_004572.4); short protein forms V782A, V738A.
Identifiers: ClinVar variation 518249 (VCV000518249.14), dbSNP rs1555141066, ClinGen allele CA384357883.

ClinVar aggregate classification (germline): Uncertain significance. Review status: criteria provided, multiple submitters, no conflicts (2 of 4 stars). 5 submissions from 5 submitters: Uncertain significance (2). 3 of the submissions do not count toward it. Last evaluated 2023-06-14.

Conditions:
Arrhythmogenic right ventricular dysplasia 9 (ARVD9). Also called: ARRHYTHMOGENIC RIGHT VENTRICULAR DYSPLASIA, FAMILIAL, 9; Arrhythmogenic Right Ventricular Dysplasia/Cardiomyopathy 9. Identifiers: MedGen C1836906, MONDO:0012180, OMIM 609040.
Cardiovascular phenotype. Identifiers: MedGen CN230736.

Allele frequency attached by ClinVar (database versions not stated): gnomAD 0.00001; gnomAD exomes 0.00001.
gnomAD v4.1: 6 of 1,613,818 alleles (0.00037%); highest among the groups gnomAD compares: South Asian, 0.0011%; no homozygotes.

Submissions (5):

Ambry Genetics
Classification: Uncertain significance for Cardiovascular phenotype. Last evaluated: 2023-06-14. Review status: criteria provided, single submitter. Criteria: Ambry Variant Classification Scheme 2023. Collection method: clinical testing. Allele origin: germline.
Comment: The p.V782A variant (also known as c.2345T>C), located in coding exon 12 of the PKP2 gene, results from a T to C substitution at nucleotide position 2345. The valine at codon 782 is replaced by alanine, an amino acid with similar properties. This variant was detected in a cardiomyopathy/arrhythmia genetic testing cohort; however, clinical details were limited, and additional cardiac variants were detected in some cases (van Lint FHM et al. Neth Heart J, 2019 Jun;27:304-309). This amino acid position is well conserved in available vertebrate species. In addition, this alteration is predicted to be tolerated by in silico analysis. Since supporting evidence is limited at this time, the clinical significance of this alteration remains unclear.

Labcorp Genetics (formerly Invitae), Labcorp
Classification: Uncertain significance for Arrhythmogenic right ventricular dysplasia 9. Last evaluated: 2022-03-18. Review status: criteria provided, single submitter. Criteria: Invitae Variant Classification Sherloc (09022015). Collection method: clinical testing. Allele origin: germline.
Comment: This variant is not present in population databases (gnomAD no frequency). This sequence change replaces valine, which is neutral and non-polar, with alanine, which is neutral and non-polar, at codon 782 of the PKP2 protein (p.Val782Ala). This variant has not been reported in the literature in individuals affected with PKP2-related conditions. In summary, the available evidence is currently insufficient to determine the role of this variant in disease. Therefore, it has been classified as a Variant of Uncertain Significance. Algorithms developed to predict the effect of missense changes on protein structure and function output the following: SIFT: "Tolerated"; PolyPhen-2: "Benign"; Align-GVGD: "Class C0". The alanine amino acid residue is found in multiple mammalian species, which suggests that this missense change does not adversely affect protein function. ClinVar contains an entry for this variant (Variation ID: 518249).

Clinical Genetics, Academic Medical Center
Classification: Uncertain significance. Review status: no assertion criteria provided. Collection method: clinical testing. Allele origin: germline. Affected: yes. Study: VKGL Data-share Consensus. Not counted in ClinVar's aggregate classification.

Diagnostic Laboratory, Department of Genetics, University Medical Center Groningen
Classification: Uncertain significance for Arrhythmogenic right ventricular dysplasia 9. Review status: no assertion criteria provided. Collection method: clinical testing. Allele origin: germline. Affected: yes. Study: VKGL Data-share Consensus. Not counted in ClinVar's aggregate classification.

Genome Diagnostics Laboratory, University Medical Center Utrecht
Classification: Uncertain significance. Review status: no assertion criteria provided. Collection method: clinical testing. Allele origin: germline. Affected: yes. Study: VKGL Data-share Consensus. Not counted in ClinVar's aggregate classification.

Literature cited by the submitters: PubMed 30847666 (cited by Ambry Genetics).